The following is an entry in ClinVar:

ClinVar aggregate classification (germline): Uncertain significance (1 of 4 stars; one submission).

Conditions:
Inosine triphosphatase deficiency. Also called: INOSINE TRIPHOSPHATE PYROPHOSPHOHYDROLASE DEFICIENCY. Identifiers: MedGen C0342800, MONDO:0013461, OMIM 613850.

Submission:

Labcorp Genetics (formerly Invitae), Labcorp
Classification: Uncertain significance for Inosine triphosphatase deficiency. Last evaluated: 2019-01-19. Review status: criteria provided, single submitter. Criteria: Invitae Variant Classification Sherloc (09022015). Collection method: clinical testing. Allele origin: germline.
Comment: This variant results in a copy number gain of the genomic region encompassing the full coding sequence of the ITPA gene. The boundaries of this event are unknown as they extend beyond the assayed region for this gene and therefore may encompass additional genes. As the precise location of this event is unknown, it may be in tandem or it may be located elsewhere in the genome. This variant has not been reported in the literature in individuals with ITPA-related conditions. Experimental studies and prediction algorithms are not available for this variant, and the functional significance of the affected amino acid(s) is currently unknown. In summary, the available evidence is currently insufficient to determine the role of this variant in disease. Therefore, it has been classified as a Variant of Uncertain Significance.

NC_000020.10:g.(?_3190178)_(3604448_?)dup

Genes: ATRN (attractin; plus strand), DNAAF9 (dynein axonemal assembly factor 9; minus strand), ITPA (inosine triphosphatase; plus strand), SLC4A11 (solute carrier family 4 member 11; minus strand). Cytogenetic location: 20p13.
Variant type: Duplication.
Identifiers: ClinVar variation 653521 (VCV000653521.2).